The following is an entry in ClinVar:

NM_001042492.3(NF1):c.2252-31A>T

Gene: NF1 (neurofibromin 1; plus strand). Cytogenetic location: 17q11.2.
Variant type: single nucleotide variant.
Coding change: c.2252-31A>T on transcript NM_001042492.3 (MANE Select); 31 bases into the intron before coding-DNA position 2252, A replaced by T.
Molecular consequence: intron variant.
Genome position (GRCh38, 1-based): chr17:31,227,187, A>T. VCF-style: chr17-31227187-A-T. GRCh37 (hg19) VCF-style: chr17-29554205-A-T.
Other names: c.2252-31A>T (NM_001042492.2, NM_000267.4).
Identifiers: ClinVar variation 215462 (VCV000215462.51), dbSNP rs141082540, ClinGen allele CA336240.

ClinVar aggregate classification (germline): Benign/Likely benign. Review status: criteria provided, multiple submitters, no conflicts (2 of 4 stars). 8 submissions from 8 submitters: Benign (5); Likely benign (3). Last evaluated 2025-03-04.

Conditions:
Neurofibromatosis, familial spinal (FSNF). Identifiers: Orphanet 636, MedGen C1834235, MONDO:0008078, OMIM 162210. Disease mechanism: loss of function.
Neurofibromatosis, type 1 (NF1). Also called: NEUROFIBROMATOSIS, TYPE I, SOMATIC; Peripheral type neurofibromatosis; Neurofibromatosis, type I; VON RECKLINGHAUSEN DISEASE. Identifiers: Orphanet 636, MedGen C0027831, MONDO:0018975, OMIM 162200. Disease mechanism: loss of function.

Allele frequency attached by ClinVar (database versions not stated): 1000 Genomes Project 30x 0.00094; 1000 Genomes Project 0.00100; TOPMed 0.00248; gnomAD 0.00341 and 0.00355; ESP Exome Variant Server 0.00369.
gnomAD v4.1: 7,387 of 1,609,834 alleles (0.46%); highest among the groups gnomAD compares: Non-Finnish European, 0.53%; 20 homozygotes.

Submissions (8):

Center for Genomic Medicine, Rigshospitalet, Copenhagen University Hospital
Classification: Likely benign. Last evaluated: 2025-03-04. Review status: criteria provided, single submitter. Criteria: ACMG Guidelines, 2015. Collection method: clinical testing. Allele origin: germline.

Blueprint Genetics
Classification: Likely benign. Last evaluated: 2024-11-14. Review status: criteria provided, single submitter. Criteria: ACMG Guidelines, 2015. Collection method: clinical testing. Allele origin: germline.

Labcorp Genetics (formerly Invitae), Labcorp
Classification: Benign for Neurofibromatosis, type 1. Last evaluated: 2024-04-22. Review status: criteria provided, single submitter. Criteria: Invitae Variant Classification Sherloc (09022015). Collection method: clinical testing. Allele origin: germline.

KCCC/NGS Laboratory, Kuwait Cancer Control Center
Classification: Benign for Neurofibromatosis, familial spinal. Last evaluated: 2023-07-07. Review status: criteria provided, single submitter. Criteria: ACMG Guidelines, 2015. Collection method: clinical testing. Allele origin: germline. Affected: yes.

CeGaT Center for Human Genetics Tuebingen
Classification: Benign. Last evaluated: 2023-05-01. Review status: criteria provided, single submitter. Criteria: CeGaT Center For Human Genetics Tuebingen Variant Classification Criteria Version 2. Collection method: clinical testing. Allele origin: germline. Affected: yes. Observed: 29 variant alleles.
Comment: NF1: BS1, BS2

Genome-Nilou Lab
Classification: Benign for Neurofibromatosis, type 1. Last evaluated: 2022-03-15. Review status: criteria provided, single submitter. Criteria: ACMG Guidelines, 2015. Collection method: clinical testing. Allele origin: germline. Affected: no.

GeneDx
Classification: Likely benign. Last evaluated: 2018-07-03. Review status: criteria provided, single submitter. Criteria: GeneDx Variant Classification Process June 2021. Collection method: clinical testing. Allele origin: germline. Affected: yes.

ARUP Laboratories, Molecular Genetics and Genomics, ARUP Laboratories
Classification: Benign. Last evaluated: 2016-12-02. Review status: criteria provided, single submitter. Criteria: ARUP Molecular Germline Variant Investigation Process. Collection method: clinical testing. Allele origin: germline.